The following is an entry in ClinVar:

ClinVar aggregate classification (germline): Uncertain significance (1 of 4 stars; one submission).

Submission:

Labcorp Genetics (formerly Invitae), Labcorp
Classification: Uncertain significance. Last evaluated: 2025-09-03. Review status: criteria provided, single submitter. Criteria: Invitae Variant Classification Sherloc (09022015). Collection method: clinical testing. Allele origin: germline.
Comment: This sequence change replaces proline, which is neutral and non-polar, with threonine, which is neutral and polar, at codon 743 of the JAK1 protein (p.Pro743Thr). This variant is not present in population databases (gnomAD no frequency). This variant has not been reported in the literature in individuals affected with JAK1-related conditions. Invitae Evidence Modeling of protein sequence and biophysical properties (such as structural, functional, and spatial information, amino acid conservation, physicochemical variation, residue mobility, and thermodynamic stability) indicates that this missense variant is not expected to disrupt JAK1 protein function with a negative predictive value of 80%. In summary, the available evidence is currently insufficient to determine the role of this variant in disease. Therefore, it has been classified as a Variant of Uncertain Significance.

NM_002227.4(JAK1):c.2227C>A (p.Pro743Thr)

Gene: JAK1 (Janus kinase 1; minus strand). Cytogenetic location: 1p31.3.
Variant type: single nucleotide variant.
Coding change: c.2227C>A on transcript NM_002227.4 (MANE Select); coding-DNA position 2227, C replaced by A.
Protein change: p.Pro743Thr; replaces proline 743 with threonine.
Molecular consequence: missense variant.
Genome position (GRCh38, 1-based): chr1:64,844,778, G>T on the plus strand (C>A on the coding strand, the complement: JAK1 is on the minus strand). VCF-style: chr1-64844778-G-T. GRCh37 (hg19) VCF-style: chr1-65310461-G-T.
Other names: c.2227C>A, p.Pro743Thr (NM_001320923.2, NM_001321852.2, NM_001321853.2 and 3 more transcripts); c.2224C>A, p.Pro742Thr (NM_001321857.2); short protein forms P743T, P742T.
Identifiers: ClinVar variation 4742263 (VCV004742263.1).